The following is an entry in ClinVar:

NM_020632.3(ATP6V0A4):c.522C>T (p.Ala174=)

Gene: ATP6V0A4 (ATPase H+ transporting V0 subunit a4; minus strand). Cytogenetic location: 7q34.
Variant type: single nucleotide variant.
Coding change: c.522C>T on transcript NM_020632.3 (MANE Select); coding-DNA position 522, C replaced by T.
Protein change: p.Ala174=; no amino-acid change (alanine 174 retained).
Molecular consequence: synonymous variant.
Genome position (GRCh38, 1-based): chr7:138,759,869, G>A on the plus strand (C>T on the coding strand, the complement: ATP6V0A4 is on the minus strand). VCF-style: chr7-138759869-G-A. GRCh37 (hg19) VCF-style: chr7-138444614-G-A.
Other names: c.522C>T, p.Ala174= (NM_130840.3, NM_130841.3).
Identifiers: ClinVar variation 2658010 (VCV002658010.25), dbSNP rs563386735, ClinGen allele CA4505089.

ClinVar aggregate classification (germline): Likely benign. Review status: criteria provided, multiple submitters, no conflicts (2 of 4 stars). 2 submissions from 2 submitters: Likely benign (2). Last evaluated 2025-05-18.

Allele frequency attached by ClinVar (database versions not stated): gnomAD 0.00001; gnomAD exomes 0.00001; ExAC 0.00002; TOPMed 0.00002; 1000 Genomes Project 30x 0.00016; 1000 Genomes Project 0.00020.
gnomAD v4.1: 16 of 1,614,062 alleles (0.00099%); highest among the groups gnomAD compares: East Asian, 0.013%; no homozygotes.

Submissions (2):

Labcorp Genetics (formerly Invitae), Labcorp
Classification: Likely benign. Last evaluated: 2025-05-18. Review status: criteria provided, single submitter. Criteria: Invitae Variant Classification Sherloc (09022015). Collection method: clinical testing. Allele origin: germline.

CeGaT Center for Human Genetics Tuebingen
Classification: Likely benign. Last evaluated: 2022-07-01. Review status: criteria provided, single submitter. Criteria: CeGaT Center For Human Genetics Tuebingen Variant Classification Criteria Version 2. Collection method: clinical testing. Allele origin: germline. Affected: yes. Observed: 1 variant allele.
Comment: ATP6V0A4: BP4, BP7